The following is an entry in ClinVar:

ClinVar aggregate classification (germline): Uncertain significance. Review status: criteria provided, multiple submitters, no conflicts (2 of 4 stars). 2 submissions from 2 submitters: Uncertain significance (2). Last evaluated 2022-08-16.

Conditions:
Hereditary cancer-predisposing syndrome. Also called: Neoplastic Syndromes, Hereditary; Hereditary Cancer Syndrome; Hereditary neoplastic syndrome; Tumor predisposition. Identifiers: Orphanet 140162, MedGen C0027672, MeSH D009386, MONDO:0015356.
Cardiovascular phenotype. Identifiers: MedGen CN230736.
Neurofibromatosis, type 1 (NF1). Also called: NEUROFIBROMATOSIS, TYPE I, SOMATIC; VON RECKLINGHAUSEN DISEASE; Neurofibromatosis, type I; Peripheral type neurofibromatosis. Identifiers: Orphanet 636, MedGen C0027831, MONDO:0018975, OMIM 162200. Disease mechanism: loss of function.

Submissions (2):

Ambry Genetics
Classification: Uncertain significance for Cardiovascular phenotype; Hereditary cancer-predisposing syndrome. Last evaluated: 2022-08-16. Review status: criteria provided, single submitter. Criteria: Ambry Variant Classification Scheme 2023. Collection method: clinical testing. Allele origin: germline.
Comment: The c.3974+3T>G intronic variant results from a T to G substitution 3 nucleotides after coding exon 29 in the NF1 gene. This nucleotide position is highly conserved in available vertebrate species. In silico splice site analysis predicts that this alteration will not have any significant effect on splicing. Since supporting evidence is limited at this time, the clinical significance of this alteration remains unclear.

Labcorp Genetics (formerly Invitae), Labcorp
Classification: Uncertain significance for Neurofibromatosis, type 1. Last evaluated: 2018-12-19. Review status: criteria provided, single submitter. Criteria: Invitae Variant Classification Sherloc (09022015). Collection method: clinical testing. Allele origin: germline.
Comment: In summary, the available evidence is currently insufficient to determine the role of this variant in disease. Therefore, it has been classified as a Variant of Uncertain Significance. Nucleotide substitutions within the consensus splice site are a relatively common cause of aberrant splicing (PMID: 17576681, 9536098). Algorithms developed to predict the effect of sequence changes on RNA splicing suggest that this variant is not likely to affect RNA splicing, but this prediction has not been confirmed by published transcriptional studies. This variant has not been reported in the literature in individuals with NF1-related conditions. This variant is not present in population databases (ExAC no frequency). This sequence change falls in intron 29 of the NF1 gene. It does not directly change the encoded amino acid sequence of the NF1 protein, but it affects a nucleotide within the consensus splice site of the intron.

Literature cited by the submitters: PubMed 17576681 (cited by Labcorp Genetics (formerly Invitae), Labcorp); PubMed 9536098 (cited by Labcorp Genetics (formerly Invitae), Labcorp).

NM_001042492.3(NF1):c.3974+3T>G

Gene: NF1 (neurofibromin 1; plus strand). Cytogenetic location: 17q11.2.
Variant type: single nucleotide variant.
Coding change: c.3974+3T>G on transcript NM_001042492.3 (MANE Select); 3 bases into the intron after coding-DNA position 3974, T replaced by G.
Molecular consequence: intron variant.
Genome position (GRCh38, 1-based): chr17:31,236,024, T>G. VCF-style: chr17-31236024-T-G. GRCh37 (hg19) VCF-style: chr17-29563042-T-G.
Other names: c.3974+3T>G (NM_000267.4).
Identifiers: ClinVar variation 642373 (VCV000642373.6), dbSNP rs1597723069, ClinGen allele CA915949958.